The following is an entry in ClinVar:

ClinVar aggregate classification (germline): Uncertain significance (1 of 4 stars; one submission).

Submission:

Ambry Genetics
Classification: Uncertain significance. Last evaluated: 2021-12-05. Review status: criteria provided, single submitter. Criteria: Ambry Variant Classification Scheme 2023. Collection method: clinical testing. Allele origin: germline.
Comment: The p.I57F variant (also known as c.169A>T), located in coding exon 2 of the ALPK2 gene, results from an A to T substitution at nucleotide position 169. The isoleucine at codon 57 is replaced by phenylalanine, an amino acid with highly similar properties. This amino acid position is conserved. In addition, this alteration is predicted to be tolerated by in silico analysis. Since supporting evidence is limited at this time, the clinical significance of this alteration remains unclear.

NM_052947.4(ALPK2):c.169A>T (p.Ile57Phe)

Gene: ALPK2 (alpha kinase 2; minus strand). Cytogenetic location: 18q21.32.
Variant type: single nucleotide variant.
Coding change: c.169A>T on transcript NM_052947.4 (MANE Select); coding-DNA position 169, A replaced by T.
Protein change: p.Ile57Phe; replaces isoleucine 57 with phenylalanine.
Molecular consequence: missense variant.
Genome position (GRCh38, 1-based): chr18:58,607,380, T>A on the plus strand (A>T on the coding strand, the complement: ALPK2 is on the minus strand). VCF-style: chr18-58607380-T-A. GRCh37 (hg19) VCF-style: chr18-56274612-T-A.
Other names: short protein forms I57F.
Identifiers: ClinVar variation 1778303 (VCV001778303.2), dbSNP rs758870745, ClinGen allele CA402556012.
Genomic context (GRCh38, chr18:58,607,380, plus strand): 5'-ACCAAGAGAGATGTAACACATGAATATACTGATTCTCAAAGAATTCATAGTTGGAAATAA[T>A]GCCACTCCCATCGATGGCCTGACCATTCTTATACCAAGTTACCTCTGGCTTGGGCTGACC-3'
Protein context (NP_443179.3, residues 47-67): KNGQAIDGSG[Ile57Phe]ISNYEFFENQ